The following is an entry in ClinVar:

ClinVar aggregate classification (germline): Likely benign. Review status: criteria provided, single submitter (1 of 4 stars). 2 submissions from 2 submitters: Likely benign (1). 1 of the submissions does not count toward it. Last evaluated 2025-11-12.

Conditions:
Cohen syndrome (COH1). Also called: PEPPER SYNDROME; Cutis verticis gyrata, retinitis pigmentosa, and sensorineural deafness. Identifiers: Orphanet 193, MedGen C0265223, MONDO:0008999, OMIM 216550.
VPS13B-related disorder. Also called: VPS13B-related condition.

gnomAD v4.1: 7 of 1,612,862 alleles (0.00043%); highest among the groups gnomAD compares: South Asian, 0.0033%; no homozygotes.

Submissions (2):

Labcorp Genetics (formerly Invitae), Labcorp
Classification: Likely benign for Cohen syndrome. Last evaluated: 2025-11-12. Review status: criteria provided, single submitter. Criteria: Invitae Variant Classification Sherloc (09022015). Collection method: clinical testing. Allele origin: germline.

PreventionGenetics, part of Exact Sciences
Classification: Likely benign for VPS13B-related condition. Last evaluated: 2024-01-04. Review status: no assertion criteria provided. Collection method: clinical testing. Allele origin: germline. Not counted in ClinVar's aggregate classification.
Comment: This variant is classified as likely benign based on ACMG/AMP sequence variant interpretation guidelines (Richards et al. 2015 PMID: 25741868, with internal and published modifications).

NM_152564.5(VPS13B):c.3083-8G>T

Gene: VPS13B (vacuolar protein sorting 13 homolog B; plus strand). Cytogenetic location: 8q22.2.
Variant type: single nucleotide variant.
Coding change: c.3083-8G>T on transcript NM_152564.5 (MANE Select); 8 bases into the intron before coding-DNA position 3083, G replaced by T.
Molecular consequence: intron variant.
Genome position (GRCh38, 1-based): chr8:99,431,529, G>T. VCF-style: chr8-99431529-G-T. GRCh37 (hg19) VCF-style: chr8-100443757-G-T.
Other names: c.3083-8G>T (NM_017890.5, NM_152564.4).
Identifiers: ClinVar variation 1583910 (VCV001583910.9), dbSNP rs201973611, ClinGen allele CA4823167.